The following is an entry in ClinVar:

ClinVar aggregate classification (germline): Uncertain significance (1 of 4 stars; one submission).

Conditions:
Familial sleep-related hypermotor epilepsy. Also called: Autosomal Dominant Sleep-Related Hypermotor (Hyperkinetic) Epilepsy. Identifiers: Orphanet 98784, MedGen C3696898, MONDO:0000030.

Submission:

Labcorp Genetics (formerly Invitae), Labcorp
Classification: Uncertain significance. Last evaluated: 2025-07-23. Review status: criteria provided, single submitter. Criteria: Invitae Variant Classification Sherloc (09022015). Collection method: clinical testing. Allele origin: germline.
Comment: This sequence change affects an acceptor splice site in intron 2 of the CHRNA2 gene. It is expected to disrupt RNA splicing. Variants that disrupt the donor or acceptor splice site typically lead to a loss of protein function (PMID: 16199547), however the current clinical and genetic evidence is not sufficient to establish whether loss-of-function variants in CHRNA2 cause disease. This variant is not present in population databases (gnomAD no frequency). This variant has not been reported in the literature in individuals affected with CHRNA2-related conditions. Algorithms developed to predict the effect of sequence changes on RNA splicing suggest that this variant may disrupt the consensus splice site. In summary, the available evidence is currently insufficient to determine the role of this variant in disease. Therefore, it has been classified as a Variant of Uncertain Significance.

Literature cited by the submitters: PubMed 16199547.

NM_000742.4(CHRNA2):c.74-2A>C

Gene: CHRNA2 (cholinergic receptor nicotinic alpha 2 subunit; minus strand). Cytogenetic location: 8p21.2.
Variant type: single nucleotide variant.
Coding change: c.74-2A>C on transcript NM_000742.4 (MANE Select); the canonical splice acceptor site of the intron before coding-DNA position 74, A replaced by C.
Molecular consequence: splice acceptor variant.
Genome position (GRCh38, 1-based): chr8:27,469,983, T>G on the plus strand (A>C on the coding strand, the complement: CHRNA2 is on the minus strand). VCF-style: chr8-27469983-T-G. GRCh37 (hg19) VCF-style: chr8-27327500-T-G.
Other names: c.-354-2A>C (NM_001347705.2); c.74-2A>C (NM_001282455.2); c.-388-2A>C (NM_001347708.2); c.-399-2A>C (NM_001347706.2); c.-340-2A>C (NM_001347707.2).
Identifiers: ClinVar variation 4778153 (VCV004778153.1).